The following is an entry in ClinVar:

NM_003076.5(SMARCD1):c.640C>T (p.Arg214Trp)

Gene: SMARCD1 (SWI/SNF related BAF chromatin remodeling complex subunit D1; plus strand). Cytogenetic location: 12q13.12.
Variant type: single nucleotide variant.
Coding change: c.640C>T on transcript NM_003076.5 (MANE Select); coding-DNA position 640, C replaced by T.
Protein change: p.Arg214Trp; replaces arginine 214 with tryptophan.
Molecular consequence: missense variant.
Genome position (GRCh38, 1-based): chr12:50,087,471, C>T. VCF-style: chr12-50087471-C-T. GRCh37 (hg19) VCF-style: chr12-50481254-C-T.
Other names: c.640C>T, p.Arg214Trp (NM_139071.3); short protein forms R214W.
Identifiers: ClinVar variation 2444761 (VCV002444761.1), dbSNP rs2539489423, ClinGen allele CA384787396.

ClinVar aggregate classification (germline): Uncertain significance (1 of 4 stars; one submission).

Submission:

GeneDx
Classification: Uncertain significance. Last evaluated: 2022-09-16. Review status: criteria provided, single submitter. Criteria: GeneDx Variant Classification Process June 2021. Collection method: clinical testing. Allele origin: germline. Affected: yes.
Comment: Not observed at significant frequency in large population cohorts (gnomAD); In silico analysis supports that this missense variant has a deleterious effect on protein structure/function; Has not been previously published as pathogenic or benign to our knowledge